The following is an entry in ClinVar:

ClinVar aggregate classification (germline): Pathogenic/Likely pathogenic. Review status: criteria provided, multiple submitters, no conflicts (2 of 4 stars). 8 submissions from 8 submitters: Pathogenic (6); Likely pathogenic (2). Last evaluated 2024-10-08.

Conditions:
Usher syndrome type 1B (USH1B). Also called: Usher syndrome type IB. Identifiers: MedGen C1848638, MONDO:0700087.
MYO7A-related disorder. Also called: MYO7A-related disorders.
Usher syndrome type 1 (USH1). Also called: RETINITIS PIGMENTOSA AND CONGENITAL DEAFNESS. Identifiers: Orphanet 231169, Orphanet 886, MedGen C1568247, MONDO:0010168, OMIM 276900.

Allele frequency attached by ClinVar (database versions not stated): gnomAD exomes 0.00001; TOPMed 0.00001; ExAC 0.00002.
gnomAD v4.1: 19 of 1,612,094 alleles (0.0012%); highest among the groups gnomAD compares: South Asian, 0.0033%; no homozygotes.

Submissions (8):

Natera, Inc.
Classification: Likely pathogenic for Usher syndrome type 1B. Last evaluated: 2024-10-08. Review status: criteria provided, single submitter. Criteria: Natera Variant Classification Schema (03/2026). Collection method: clinical testing. Allele origin: germline.
Comment: The c.5944G>A variant in MYO7A is a missense variant predicted to cause substitution of glycine to arginine at amino acid 1982. This variant is rare in the general population with a frequency below the threshold expected for the associated phenotype(s). This variant has been observed in one or more individuals affected with the associated recessive disease, as either homozygous or compound heterozygous with a second variant (PMID: 18181211, 27068579). This variant has been observed to segregate in affected family members (PMID: 18181211). Functional studies show that this variant may disrupt protein function (PMID: 20052763). Computational prediction algorithms indicate this variant is likely to affect gene or protein function. Given the available evidence, this variant is classified as Likely Pathogenic.

Labcorp Genetics (formerly Invitae), Labcorp
Classification: Pathogenic. Last evaluated: 2024-09-30. Review status: criteria provided, single submitter. Criteria: Invitae Variant Classification Sherloc (09022015). Collection method: clinical testing. Allele origin: germline.
Comment: This sequence change replaces glycine, which is neutral and non-polar, with arginine, which is basic and polar, at codon 1982 of the MYO7A protein (p.Gly1982Arg). This variant also falls at the last nucleotide of exon 43, which is part of the consensus splice site for this exon. This variant is present in population databases (rs761469964, gnomAD 0.002%). This missense change has been observed in individuals with autosomal recessive Usher syndrome (PMID: 18181211, 22135276, 25404053). ClinVar contains an entry for this variant (Variation ID: 500416). An algorithm developed to predict the effect of missense changes on protein structure and function (PolyPhen-2) suggests that this variant is likely to be disruptive. Experimental studies have shown that this missense change affects MYO7A function (PMID: 18181211). Variants that disrupt the consensus splice site are a relatively common cause of aberrant splicing (PMID: 17576681, 9536098). Studies have shown that this missense change alters mRNA splicing and is expected to lead to the loss of protein expression (PMID: 20052763). For these reasons, this variant has been classified as Pathogenic.

3billion
Classification: Likely pathogenic for Usher syndrome type 1. Last evaluated: 2024-09-13. Review status: criteria provided, single submitter. Criteria: ACMG Guidelines, 2015. Collection method: clinical testing. Allele origin: germline. Affected: yes.
Comment: The variant is observed at an extremely low frequency in the gnomAD v4.0.0 dataset (total allele frequency: 0.001%). Predicted Consequence/Location: Missense variant. The majority of the known disease-causing variants of this gene are variants expected to result in premature termination of the protein. In silico tool predictions suggest damaging effect of the variant on gene or gene product [REVEL: 0.87 (>=0.6, sensitivity 0.68 and specificity 0.92); 3Cnet: 0.90 (>=0.6, sensitivity 0.72 and precision 0.9)]. The same nucleotide change resulting in the same amino acid change has been previously reported as pathogenic/likely pathogenic with strong evidence (ClinVar ID: VCV000500416 /PMID: 18181211). A different missense change at the same codon (p.Gly1982Glu) has been reported to be associated with MYO7A related disorder (ClinVar ID: VCV000043310 /PMID: 19074810). Therefore, this variant is classified as Likely pathogenic according to the recommendation of ACMG/AMP guideline.

Blueprint Genetics
Classification: Pathogenic for MYO7A-related disorders. Last evaluated: 2024-07-09. Review status: criteria provided, single submitter. Criteria: ACMG Guidelines, 2015. Collection method: clinical testing. Allele origin: germline. Affected: yes. Observed: 5 variant alleles.

Revvity Omics, Revvity
Classification: Pathogenic. Last evaluated: 2024-06-12. Review status: criteria provided, single submitter. Criteria: ACMG Guidelines, 2015. Collection method: clinical testing. Allele origin: germline.

GeneDx
Classification: Pathogenic. Last evaluated: 2022-09-20. Review status: criteria provided, single submitter. Criteria: GeneDx Variant Classification Process June 2021. Collection method: clinical testing. Allele origin: germline. Affected: yes.
Comment: Non-canonical splice site variant demonstrated to result in loss of function (Le Guedard-Mereuze et al., 2010); Not observed at significant frequency in large population cohorts (gnomAD); In silico analysis supports that this missense variant has a deleterious effect on protein structure/function; This variant is associated with the following publications: (PMID: 20132242, 23647439, 21436283, 20052763, 18181211, 21031134, 28660889, 31479088, 33576163, 25404053)

Eurofins Ntd Llc (ga)
Classification: Pathogenic. Last evaluated: 2017-02-09. Review status: criteria provided, single submitter. Criteria: EGL Classification Definitions 2015. Collection method: clinical testing. Allele origin: germline.

Juno Genomics, Hangzhou Juno Genomics, Inc
Classification: Pathogenic for Usher syndrome type 1. Review status: criteria provided, single submitter. Criteria: ACMG Guidelines, 2015. Collection method: clinical testing. Allele origin: germline.
Comment: Absent from controls (or at extremely low frequency if recessive) in Genome Aggregation Database.;Null variant in a gene where loss of function (LOF) is a known mechanism of disease.;For recessive disorders, detected in trans with a pathogenic variant.

Literature cited by the submitters: PubMed 18181211 (cited by 3 submitters); PubMed 27068579 (cited by Natera, Inc.); PubMed 20052763 (cited by Natera, Inc. and Labcorp Genetics (formerly Invitae), Labcorp); PubMed 22135276 (cited by Labcorp Genetics (formerly Invitae), Labcorp); PubMed 25404053 (cited by Labcorp Genetics (formerly Invitae), Labcorp); PubMed 17576681 (cited by Labcorp Genetics (formerly Invitae), Labcorp); PubMed 9536098 (cited by Labcorp Genetics (formerly Invitae), Labcorp); PubMed 19074810 (cited by 3billion).

NM_000260.4(MYO7A):c.5944G>A (p.Gly1982Arg)

Gene: MYO7A (myosin VIIA; plus strand). Cytogenetic location: 11q13.5.
Variant type: single nucleotide variant.
Coding change: c.5944G>A on transcript NM_000260.4 (MANE Select); coding-DNA position 5944, G replaced by A.
Protein change: p.Gly1982Arg; replaces glycine 1982 with arginine.
Molecular consequence: missense variant.
Genome position (GRCh38, 1-based): chr11:77,208,517, G>A. VCF-style: chr11-77208517-G-A. GRCh37 (hg19) VCF-style: chr11-76919562-G-A.
Other names: c.5830G>A, p.Gly1944Arg (NM_001127180.2); c.5797G>A, p.Gly1933Arg (NM_001369365.1); short protein forms G1982R, G1933R, G1944R.
Identifiers: ClinVar variation 500416 (VCV000500416.22), dbSNP rs761469964, ClinGen allele CA6198875.